The following is an entry in ClinVar:

NM_006009.4(TUBA1A):c.815A>G (p.Tyr272Cys)

Gene: TUBA1A (tubulin alpha 1a; minus strand). Cytogenetic location: 12q13.12.
Variant type: single nucleotide variant.
Coding change: c.815A>G on transcript NM_006009.4 (MANE Select); coding-DNA position 815, A replaced by G.
Protein change: p.Tyr272Cys; replaces tyrosine 272 with cysteine.
Molecular consequence: missense variant.
Genome position (GRCh38, 1-based): chr12:49,185,551, T>C on the plus strand (A>G on the coding strand, the complement: TUBA1A is on the minus strand). VCF-style: chr12-49185551-T-C. GRCh37 (hg19) VCF-style: chr12-49579334-T-C.
Other names: c.815A>G, p.Tyr272Cys (NM_001270399.2); c.710A>G, p.Tyr237Cys (NM_001270400.2); short protein forms Y272C, Y237C.
Identifiers: ClinVar variation 421873 (VCV000421873.3), dbSNP rs1064795417, ClinGen allele CA16619549.

ClinVar aggregate classification (germline): Likely pathogenic. Review status: criteria provided, multiple submitters, no conflicts (2 of 4 stars). 2 submissions from 2 submitters: Likely pathogenic (2). Last evaluated 2018-07-01.

Conditions:
Tubulinopathy. Also called: Tubulinopathies. Identifiers: MedGen CN850169, MONDO:0100153.

Submissions (2):

Institute of Human Genetics, FAU Erlangen, Friedrich-Alexander-Universität Erlangen-Nürnberg
Classification: Likely pathogenic for Tubulinopathies. Last evaluated: 2018-07-01. Review status: criteria provided, single submitter. Criteria: ACMG Guidelines, 2015. Collection method: literature only. Allele origin: germline. Affected: yes. Observed: 1 variant allele.
Comment: The c.815A>G, p.(Tyr272Cys) variant has been reported as a variant of germline/unknown origin.

GeneDx
Classification: Likely pathogenic. Last evaluated: 2016-08-05. Review status: criteria provided, single submitter. Criteria: GeneDx Variant Classification (06012015). Collection method: clinical testing. Allele origin: germline. Affected: yes.
Comment: The Y272C variant in the TUBA1A gene has not been reported previously as a pathogenic variant, nor as a benign variant, to our knowledge. The Y272C variant was not observed in approximately 6,500 individuals of European and African American ancestry in the NHLBI Exome Sequencing Project, indicating it is not a common benign variant in these populations. The Y272C variant is a non-conservative amino acid substitution, which is likely to impact secondary protein structure as these residues differ in polarity, charge, size and/or other properties. This substitution occurs at a position that is conserved across species, and in silico analysis predicts this variant is probably damaging to the protein structure/function. The Y272C variant is a strong candidate for a pathogenic variant, However, the possibility it may be a rare benign variant cannot be excluded.

Literature cited by the submitters: PubMed 30744660 (cited by Institute of Human Genetics, FAU Erlangen, Friedrich-Alexander-Universität Erlangen-Nürnberg); DOI 10.1101/427948 (cited by Institute of Human Genetics, FAU Erlangen, Friedrich-Alexander-Universität Erlangen-Nürnberg).